The following is an entry in ClinVar:

NM_007294.4(BRCA1):c.1623dup (p.Asn542fs)

Gene: BRCA1 (BRCA1 DNA repair associated; minus strand). Cytogenetic location: 17q21.31.
Variant type: Duplication.
Coding change: c.1623dup on transcript NM_007294.4 (MANE Select); coding-DNA position 1623, one base duplicated (G; older notation c.1623dupG).
Protein change: p.Asn542fs; shifts the reading frame from asparagine 542.
Molecular consequence: frameshift variant. On other transcripts: intron variant (137).
Genome position (GRCh38, 1-based): chr17:43,093,908, C duplicated on the plus strand (G on the coding strand, the reverse complement: BRCA1 is on the minus strand). VCF-style (leftmost placement, unchanged base first): chr17-43093907-T-TC. GRCh37 (hg19) VCF-style: chr17-41245924-T-TC.
Other names: 1742insG; c.1623dupG (NM_007294.3); c.1359dup, p.Asn454fs (NM_001407926.1, NM_001407927.1, NM_001407928.1 and 9 more transcripts); c.1356dup, p.Asn453fs (NM_001407930.1, NM_001407931.1, NM_001407932.1 and 2 more transcripts); c.1500dup, p.Asn501fs (NM_001407937.1, NM_001407938.1, NM_001407939.1 and 19 more transcripts); c.1497dup, p.Asn500fs (NM_001407940.1, NM_001407941.1, NM_001407649.1 and 11 more transcripts); c.1482dup, p.Asn495fs (NM_001407942.1, NM_001407944.1, NM_001407945.1 and 29 more transcripts); c.1479dup, p.Asn494fs (NM_001407943.1, NM_001407964.1, NM_001407740.1 and 20 more transcripts); and 42 more; short protein forms N542fs, N495fs, N246fs, N414fs, N415fs, N430fs, N474fs, N516fs.
Identifiers: ClinVar variation 54312 (VCV000054312.18), dbSNP rs397508891, ClinGen allele CA327757.
Genomic context (GRCh38, chr17:43,093,907, plus strand): 5'-TAGAATCACCTTTTGTTTTATTCTCATGACCACTATTAGTAATATTCATCACTTGACCAT[T>TC]CTGCTCCGTTTGGTTAGTTCCCTGATTTATCATTTCAGGAGTCTTTTGAACTGCCAAATC-3'

ClinVar aggregate classification (germline): Pathogenic. Review status: reviewed by expert panel (3 of 4 stars). 5 submissions from 5 submitters: Pathogenic (1). 4 of the submissions do not count toward it. Last evaluated 2016-10-18.

Conditions:
Inherited breast cancer and ovarian cancer.
Hereditary cancer-predisposing syndrome. Also called: Tumor predisposition; Neoplastic Syndromes, Hereditary; Hereditary Cancer Syndrome; Hereditary neoplastic syndrome. Identifiers: Orphanet 140162, MedGen C0027672, MeSH D009386, MONDO:0015356.
Hereditary breast ovarian cancer syndrome. Also called: Hereditary breast and ovarian cancer syndrome (HBOC); Hereditary breast and ovarian cancer syndrome; Hereditary breast and ovarian cancer; Hereditary breast and/or ovarian cancer syndrome; Breast and ovarian cancer; BRCA1- and BRCA2-Associated Hereditary Breast and Ovarian Cancer. Identifiers: Orphanet 145, MedGen C0677776, MeSH D061325, MONDO:0003582. Disease mechanism: loss of function.
Breast-ovarian cancer, familial, susceptibility to, 1 (BROVCA1). Also called: OVARIAN CANCER, SUSCEPTIBILITY TO; BRCA1 Hereditary Breast and Ovarian Cancer. Identifiers: Orphanet 145, MedGen C2676676, MONDO:0011450, OMIM 604370. Disease mechanism: loss of function.

Allele frequency attached by ClinVar (database versions not stated): gnomAD 0.00001.

Submissions (5):

Evidence-based Network for the Interpretation of Germline Mutant Alleles (ENIGMA)
Classification: Pathogenic for Breast-ovarian cancer, familial, susceptibility to, 1. Last evaluated: 2016-10-18. Review status: reviewed by expert panel. Criteria: ENIGMA BRCA1/2 Classification Criteria (2015). Collection method: curation. Allele origin: germline.
Comment: Variant allele predicted to encode a truncated non-functional protein.

Genetics Laboratory, Great Ormond Street Hospital NHS Foundation Trust, North Thames Genomic Laboratory Hub
Classification: Pathogenic for Inherited breast cancer and ovarian cancer. Last evaluated: 2025-11-05. Review status: criteria provided, single submitter. Criteria: CanVIG BRCA Gene Specific V1.22. Collection method: clinical testing. Allele origin: germline. Affected: yes. Not counted in ClinVar's aggregate classification.
Comment: PM2_supporting, PVS1_very-strong, PM5_strong

Ambry Genetics
Classification: Pathogenic for Hereditary cancer-predisposing syndrome. Last evaluated: 2025-01-29. Review status: criteria provided, single submitter. Criteria: Ambry Variant Classification Scheme 2023. Collection method: clinical testing. Allele origin: germline. Not counted in ClinVar's aggregate classification.
Comment: The c.1623dupG pathogenic mutation, located in coding exon 9 of the BRCA1 gene, results from a duplication of G at nucleotide position 1623, causing a translational frameshift with a predicted alternate stop codon (p.N542Efs*9). This variant has been reported in individuals diagnosed with breast cancer (Gao Q et al. Hum Genet, 2000 Aug;107:192-4; Zhang J et al. Breast Cancer Res Treat, 2012 Jul;134:889-94). Of note, this alteration is also known as 1742insG in published literature. In addition to the clinical data presented in the literature, this alteration is expected to result in loss of function by premature protein truncation or nonsense-mediated mRNA decay. As such, this alteration is interpreted as a disease-causing mutation.

Labcorp Genetics (formerly Invitae), Labcorp
Classification: Pathogenic for Hereditary breast ovarian cancer syndrome. Last evaluated: 2022-11-11. Review status: criteria provided, single submitter. Criteria: Invitae Variant Classification Sherloc (09022015). Collection method: clinical testing. Allele origin: germline. Not counted in ClinVar's aggregate classification.
Comment: This sequence change creates a premature translational stop signal (p.Asn542Glufs*9) in the BRCA1 gene. It is expected to result in an absent or disrupted protein product. Loss-of-function variants in BRCA1 are known to be pathogenic (PMID: 20104584). This variant is not present in population databases (gnomAD no frequency). This premature translational stop signal has been observed in individual(s) with breast cancer (PMID: 11030418, 22739995). This variant is also known as 1742insG. ClinVar contains an entry for this variant (Variation ID: 54312). For these reasons, this variant has been classified as Pathogenic.

Consortium of Investigators of Modifiers of BRCA1/2 (CIMBA), c/o University of Cambridge
Classification: Pathogenic for Breast-ovarian cancer, familial, susceptibility to, 1. Last evaluated: 2015-10-02. Review status: criteria provided, single submitter. Criteria: CIMBA Mutation Classification guidelines May 2016. Collection method: clinical testing. Allele origin: germline. Not counted in ClinVar's aggregate classification.

Literature cited by the submitters: PubMed 11030418 (cited by Ambry Genetics and Labcorp Genetics (formerly Invitae), Labcorp); PubMed 22739995 (cited by Ambry Genetics and Labcorp Genetics (formerly Invitae), Labcorp); PubMed 20104584 (cited by Labcorp Genetics (formerly Invitae), Labcorp).